The following is an entry in ClinVar:

ClinVar aggregate classification (germline): Uncertain significance (1 of 4 stars; one submission).

Conditions:
Fanconi anemia (FA). Also called: Fanconi's anemia. Identifiers: Orphanet 84, MedGen C0015625, MeSH D005199, MONDO:0019391.

Submission:

Labcorp Genetics (formerly Invitae), Labcorp
Classification: Uncertain significance for Fanconi anemia. Last evaluated: 2020-07-29. Review status: criteria provided, single submitter. Criteria: Invitae Variant Classification Sherloc (09022015). Collection method: clinical testing. Allele origin: germline.
Comment: This sequence change replaces leucine with valine at codon 1574 of the SLX4 protein (p.Leu1574Val). The leucine residue is highly conserved and there is a small physicochemical difference between leucine and valine. This variant is not present in population databases (ExAC no frequency). This variant has not been reported in the literature in individuals with SLX4-related conditions. Algorithms developed to predict the effect of missense changes on protein structure and function (SIFT, PolyPhen-2, Align-GVGD) all suggest that this variant is likely to be disruptive, but these predictions have not been confirmed by published functional studies and their clinical significance is uncertain. In summary, the available evidence is currently insufficient to determine the role of this variant in disease. Therefore, it has been classified as a Variant of Uncertain Significance.

NM_032444.4(SLX4):c.4720C>G (p.Leu1574Val)

Gene: SLX4 (SLX4 structure-specific endonuclease subunit; minus strand). Cytogenetic location: 16p13.3.
Variant type: single nucleotide variant.
Coding change: c.4720C>G on transcript NM_032444.4 (MANE Select); coding-DNA position 4720, C replaced by G.
Protein change: p.Leu1574Val; replaces leucine 1574 with valine.
Molecular consequence: missense variant.
Genome position (GRCh38, 1-based): chr16:3,584,788, G>C on the plus strand (C>G on the coding strand, the complement: SLX4 is on the minus strand). VCF-style: chr16-3584788-G-C. GRCh37 (hg19) VCF-style: chr16-3634789-G-C.
Other names: short protein forms L1574V.
Identifiers: ClinVar variation 1016466 (VCV001016466.8), dbSNP rs2040488671, ClinGen allele CA394516056.